The following is an entry in ClinVar:

ClinVar aggregate classification (germline): Conflicting classifications of pathogenicity. Review status: criteria provided, conflicting classifications (1 of 4 stars). 2 submissions from 2 submitters: Uncertain significance (1); Likely benign (1). Last evaluated 2025-02-13.

Conditions:
ABCA4-related disorder. Also called: ABCA4-related condition; ABCA4-related disorders. Identifiers: MedGen CN239167.

Allele frequency attached by ClinVar (database versions not stated): gnomAD exomes below 0.00001; ExAC 0.00001; gnomAD 0.00001; TOPMed 0.00002; 1000 Genomes Project 30x 0.00016; 1000 Genomes Project 0.00020.
gnomAD v4.1: 3 of 1,614,152 alleles (0.00019%); highest among the groups gnomAD compares: African/African-American, 0.0027%; no homozygotes.

Submissions (2):

PreventionGenetics, part of Exact Sciences
Classification: Uncertain significance for ABCA4-related condition. Last evaluated: 2025-02-13. Review status: criteria provided, single submitter. Criteria: ACMG Guidelines, 2015. Collection method: clinical testing. Allele origin: germline.
Comment: The ABCA4 c.3960C>T variant is not predicted to result in an amino acid change (p.=). This variant is predicted to impact splicing based on one splicing algorithm (SpliceAI, Jaganathan et al. 2019. PubMed ID: 30661751). To our knowledge, this variant has not been reported in the literature. This variant is reported in 0.0062% of alleles in individuals of African descent in gnomAD. At this time, the clinical significance of this variant is uncertain due to the absence of conclusive functional and genetic evidence.

Labcorp Genetics (formerly Invitae), Labcorp
Classification: Likely benign. Last evaluated: 2024-02-14. Review status: criteria provided, single submitter. Criteria: Invitae Variant Classification Sherloc (09022015). Collection method: clinical testing. Allele origin: germline.

NM_000350.3(ABCA4):c.3960C>T (p.Cys1320=)

Gene: ABCA4 (ATP binding cassette subfamily A member 4; minus strand). Cytogenetic location: 1p22.1.
Variant type: single nucleotide variant.
Coding change: c.3960C>T on transcript NM_000350.3 (MANE Select); coding-DNA position 3960, C replaced by T.
Protein change: p.Cys1320=; no amino-acid change (cysteine 1320 retained).
Molecular consequence: synonymous variant.
Genome position (GRCh38, 1-based): chr1:94,031,946, G>A on the plus strand (C>T on the coding strand, the complement: ABCA4 is on the minus strand). VCF-style: chr1-94031946-G-A. GRCh37 (hg19) VCF-style: chr1-94497502-G-A.
Other names: c.3960C>T (NM_000350.2); c.3738C>T, p.Cys1246= (NM_001425324.1).
Identifiers: ClinVar variation 2976272 (VCV002976272.4), dbSNP rs531804563, ClinGen allele CA957762.